The following is an entry in ClinVar:

NM_024408.4(NOTCH2):c.4135G>A (p.Ala1379Thr)

Gene: NOTCH2 (notch receptor 2; minus strand). Cytogenetic location: 1p12.
Variant type: single nucleotide variant.
Coding change: c.4135G>A on transcript NM_024408.4 (MANE Select); coding-DNA position 4135, G replaced by A.
Protein change: p.Ala1379Thr; replaces alanine 1379 with threonine.
Molecular consequence: missense variant.
Genome position (GRCh38, 1-based): chr1:119,925,681, C>T on the plus strand (G>A on the coding strand, the complement: NOTCH2 is on the minus strand). VCF-style: chr1-119925681-C-T. GRCh37 (hg19) VCF-style: chr1-120468304-C-T.
Other names: short protein forms A1379T.
Identifiers: ClinVar variation 4694259 (VCV004694259.1).
Genomic context (GRCh38, chr1:119,925,681, plus strand): 5'-AGTAATAAGGAGGCTGGCGCTGAGGGTGGCAGCTGCCCCCGTGCTGGCAGGGGCTACTGG[C>T]ACAGCCTGACTCGCAGTCCCGGGGACTGGGGCAGAAGCAGCGGGGTCCAGAGGCGGTGTG-3'
Protein context (NP_077719.2, residues 1369-1389): PSPRDCESGC[Ala1379Thr]SSPCQHGGSC

ClinVar aggregate classification (germline): Uncertain significance (1 of 4 stars; one submission).

Conditions:
Hajdu-Cheney syndrome (HJCYS). Also called: ACROOSTEOLYSIS WITH OSTEOPOROSIS AND CHANGES IN SKULL AND MANDIBLE; SERPENTINE FIBULA-POLYCYSTIC KIDNEY SYNDROME; Acroosteolysis dominant type. Identifiers: Orphanet 955, MedGen C0917715, MONDO:0007057, OMIM 102500.

gnomAD v4.1: 4 of 1,612,222 alleles (0.00025%); highest among the groups gnomAD compares: Non-Finnish European, 0.00034%; no homozygotes.

Submission:

Labcorp Genetics (formerly Invitae), Labcorp
Classification: Uncertain significance for Hajdu-Cheney syndrome. Last evaluated: 2025-10-21. Review status: criteria provided, single submitter. Criteria: Invitae Variant Classification Sherloc (09022015). Collection method: clinical testing. Allele origin: germline.
Comment: This sequence change replaces alanine, which is neutral and non-polar, with threonine, which is neutral and polar, at codon 1379 of the NOTCH2 protein (p.Ala1379Thr). This variant is present in population databases (rs143784183, gnomAD 0.0009%). This variant has not been reported in the literature in individuals affected with NOTCH2-related conditions. Invitae Evidence Modeling of protein sequence and biophysical properties (such as structural, functional, and spatial information, amino acid conservation, physicochemical variation, residue mobility, and thermodynamic stability) indicates that this missense variant is not expected to disrupt NOTCH2 protein function with a negative predictive value of 80%. In summary, the available evidence is currently insufficient to determine the role of this variant in disease. Therefore, it has been classified as a Variant of Uncertain Significance.